The following is an entry in ClinVar:

NM_003238.6(TGFB2):c.176A>G (p.Glu59Gly)

Gene: TGFB2 (transforming growth factor beta 2; plus strand). Cytogenetic location: 1q41.
Variant type: single nucleotide variant.
Coding change: c.176A>G on transcript NM_003238.6 (MANE Select); coding-DNA position 176, A replaced by G.
Protein change: p.Glu59Gly; replaces glutamic acid 59 with glycine.
Molecular consequence: missense variant. On other transcripts: non-coding transcript variant (2).
Genome position (GRCh38, 1-based): chr1:218,346,877, A>G. VCF-style: chr1-218346877-A-G. GRCh37 (hg19) VCF-style: chr1-218520219-A-G.
Other names: c.176A>G, p.Glu59Gly (NM_001135599.4); short protein forms E59G.
Identifiers: ClinVar variation 1779752 (VCV001779752.2), dbSNP rs2464549647, ClinGen allele CA344725455.

ClinVar aggregate classification (germline): Uncertain significance (1 of 4 stars; one submission).

Conditions:
Familial thoracic aortic aneurysm and aortic dissection (TAAD). Also called: Thoracic aortic aneurysms and dissections. Identifiers: Orphanet 91387, MedGen C4707243, MONDO:0019625.

Submission:

Ambry Genetics
Classification: Uncertain significance for Familial thoracic aortic aneurysm and aortic dissection. Last evaluated: 2022-01-19. Review status: criteria provided, single submitter. Criteria: Ambry Variant Classification Scheme 2023. Collection method: clinical testing. Allele origin: germline.
Comment: The p.E59G variant (also known as c.176A>G), located in coding exon 1 of the TGFB2 gene, results from an A to G substitution at nucleotide position 176. The glutamic acid at codon 59 is replaced by glycine, an amino acid with similar properties. This amino acid position is conserved. In addition, this alteration is predicted to be tolerated by in silico analysis. Since supporting evidence is limited at this time, the clinical significance of this alteration remains unclear.